The following is an entry in ClinVar:

NM_001849.4(COL6A2):c.1829G>A (p.Arg610His)

Gene: COL6A2 (collagen type VI alpha 2 chain; plus strand). Cytogenetic location: 21q22.3.
Variant type: single nucleotide variant.
Coding change: c.1829G>A on transcript NM_001849.4 (MANE Select); coding-DNA position 1829, G replaced by A.
Protein change: p.Arg610His; replaces arginine 610 with histidine.
Molecular consequence: missense variant.
Genome position (GRCh38, 1-based): chr21:46,125,477, G>A. VCF-style: chr21-46125477-G-A. GRCh37 (hg19) VCF-style: chr21-47545391-G-A.
Other names: c.1829G>A, p.Arg610His (NM_058174.3, NM_058175.3); short protein forms R610H.
Identifiers: ClinVar variation 896443 (VCV000896443.17), dbSNP rs758550765, ClinGen allele CA10072304.

ClinVar aggregate classification (germline): Conflicting classifications of pathogenicity. Review status: criteria provided, conflicting classifications (1 of 4 stars). 4 submissions from 4 submitters: Uncertain significance (2); Likely benign (2). Last evaluated 2025-10-07.

Conditions:
Collagen 6-related myopathy. Identifiers: MedGen CN117976, MONDO:0100225.
Bethlem myopathy 1A. Also called: MYOPATHY, BENIGN CONGENITAL, WITH CONTRACTURES; Bethlem myopathy 1; Bethlem Muscular Dystrophy. Identifiers: Orphanet 610, MedGen CN029274, MONDO:0024530, OMIM 158810.

Allele frequency attached by ClinVar (database versions not stated): gnomAD 0.00003; ExAC 0.00005; gnomAD exomes 0.00005 and 0.00007; TOPMed 0.00005.
gnomAD v4.1: 106 of 1,612,356 alleles (0.0066%); highest among the groups gnomAD compares: Admixed American, 0.015%; no homozygotes.

Submissions (4):

Labcorp Genetics (formerly Invitae), Labcorp
Classification: Likely benign for Bethlem myopathy 1A. Last evaluated: 2025-10-07. Review status: criteria provided, single submitter. Criteria: Invitae Variant Classification Sherloc (09022015). Collection method: clinical testing. Allele origin: germline.

GeneDx
Classification: Uncertain significance. Last evaluated: 2023-10-16. Review status: criteria provided, single submitter. Criteria: GeneDx Variant Classification Process June 2021. Collection method: clinical testing. Allele origin: germline. Affected: yes.
Comment: In silico analysis supports that this missense variant does not alter protein structure/function; Has not been previously published as pathogenic or benign to our knowledge

Revvity Omics, Revvity
Classification: Uncertain significance. Last evaluated: 2021-11-15. Review status: criteria provided, single submitter. Criteria: ACMG Guidelines, 2015. Collection method: clinical testing. Allele origin: germline.

Illumina Laboratory Services, Illumina
Classification: Likely benign for Collagen VI-related myopathy. Last evaluated: 2018-01-13. Review status: criteria provided, single submitter. Criteria: ICSL Variant Classification Criteria 13 December 2019. Collection method: clinical testing. Allele origin: germline.
Comment: This variant was observed in the ICSL laboratory as part of a predisposition screen in an ostensibly healthy population. It had not been previously curated by ICSL or reported in the Human Gene Mutation Database (HGMD: prior to June 1st, 2018), and was therefore a candidate for classification through an automated scoring system. Utilizing variant allele frequency, disease prevalence and penetrance estimates, and inheritance mode, an automated score was calculated to assess if this variant is too frequent to cause the disease. Based on the score and internal cut-off values, a variant classified as likely benign is not then subjected to further curation. The score for this variant resulted in a classification of likely benign for this disease.